The following is an entry in ClinVar:

NM_004984.4(KIF5A):c.2065A>G (p.Thr689Ala)

Gene: KIF5A (kinesin family member 5A; plus strand). Cytogenetic location: 12q13.3.
Variant type: single nucleotide variant.
Coding change: c.2065A>G on transcript NM_004984.4 (MANE Select); coding-DNA position 2065, A replaced by G.
Protein change: p.Thr689Ala; replaces threonine 689 with alanine.
Molecular consequence: missense variant.
Genome position (GRCh38, 1-based): chr12:57,576,128, A>G. VCF-style: chr12-57576128-A-G. GRCh37 (hg19) VCF-style: chr12-57969911-A-G.
Other names: c.1798A>G, p.Thr600Ala (NM_001354705.2); c.2065A>G (NM_004984.2); short protein forms T600A, T689A.
Identifiers: ClinVar variation 2433154 (VCV002433154.8), dbSNP rs1465463508, ClinGen allele CA385511045.

ClinVar aggregate classification (germline): Conflicting classifications of pathogenicity. Review status: criteria provided, conflicting classifications (1 of 4 stars). 3 submissions from 3 submitters: Uncertain significance (2); Likely benign (1). Last evaluated 2025-04-09.

Conditions:
Inborn genetic diseases. Identifiers: MedGen C0950123, MeSH D030342.
Spastic paraplegia. Identifiers: MedGen C0037772, HP:0001258.

gnomAD v4.1: 11 of 1,614,160 alleles (0.00068%); highest among the groups gnomAD compares: South Asian, 0.0099%; no homozygotes.

Submissions (3):

Labcorp Genetics (formerly Invitae), Labcorp
Classification: Likely benign for Spastic paraplegia. Last evaluated: 2025-04-09. Review status: criteria provided, single submitter. Criteria: Invitae Variant Classification Sherloc (09022015). Collection method: clinical testing. Allele origin: germline.

Ambry Genetics
Classification: Uncertain significance for Inborn genetic diseases. Last evaluated: 2023-04-19. Review status: criteria provided, single submitter. Criteria: Ambry Variant Classification Scheme 2023. Collection method: clinical testing. Allele origin: germline.
Comment: The c.2065A>G (p.T689A) alteration is located in coding exon 18 of the KIF5A gene. This alteration results from a A to G substitution at nucleotide position 2065, causing the threonine (T) at amino acid position 689 to be replaced by an alanine (A). This allele was reported in one heterozygous individual in population-based cohorts in the Genome Aggregation Database (gnomAD). This amino acid position is not well conserved in available vertebrate species. This alteration is predicted to be tolerated by in silico analysis. Based on insufficient or conflicting evidence, the clinical significance of this alteration remains unclear.

Revvity Omics, Revvity
Classification: Uncertain significance. Last evaluated: 2021-10-13. Review status: criteria provided, single submitter. Criteria: ACMG Guidelines, 2015. Collection method: clinical testing. Allele origin: germline.